The following is an entry in ClinVar:

ClinVar aggregate classification (germline): Pathogenic (1 of 4 stars; one submission).

Conditions:
Glycogen storage disease type III (GSD3). Also called: FORBES DISEASE; Cori disease. Identifiers: Orphanet 366, MedGen C0017922, MONDO:0009291, OMIM 232400.

Submission:

Labcorp Genetics (formerly Invitae), Labcorp
Classification: Pathogenic for Glycogen storage disease type III. Last evaluated: 2023-01-28. Review status: criteria provided, single submitter. Criteria: Invitae Variant Classification Sherloc (09022015). Collection method: clinical testing. Allele origin: germline.
Comment: For these reasons, this variant has been classified as Pathogenic. This variant has not been reported in the literature in individuals affected with AGL-related conditions. This variant is not present in population databases (gnomAD no frequency). This sequence change creates a premature translational stop signal (p.Lys1291*) in the AGL gene. It is expected to result in an absent or disrupted protein product. Loss-of-function variants in AGL are known to be pathogenic (PMID: 19299494).

Literature cited by the submitters: PubMed 19299494.

NM_000642.3(AGL):c.3871A>T (p.Lys1291Ter)

Gene: AGL (amylo-alpha-1,6-glucosidase and 4-alpha-glucanotransferase; plus strand). Cytogenetic location: 1p21.2.
Variant type: single nucleotide variant.
Coding change: c.3871A>T on transcript NM_000642.3 (MANE Select); coding-DNA position 3871, A replaced by T.
Protein change: p.Lys1291Ter; replaces lysine 1291 with a stop codon.
Molecular consequence: nonsense.
Genome position (GRCh38, 1-based): chr1:99,912,439, A>T. VCF-style: chr1-99912439-A-T. GRCh37 (hg19) VCF-style: chr1-100377995-A-T.
Other names: c.3871A>T, p.Lys1291Ter (NM_000028.3, NM_000643.3, NM_000644.3 and 1 more transcripts); c.3823A>T, p.Lys1275Ter (NM_000646.3); c.3850A>T, p.Lys1284Ter (NM_001425326.1); c.3670A>T, p.Lys1224Ter (NM_001425327.1); c.3667A>T, p.Lys1223Ter (NM_001425328.1); c.3532A>T, p.Lys1178Ter (NM_001425329.1); c.3493A>T, p.Lys1165Ter (NM_001425332.1); short protein forms K1165*, K1275*, K1284*, K1291*, K1178*, K1224*, K1223*.
Identifiers: ClinVar variation 2832404 (VCV002832404.3), dbSNP rs2523812274, ClinGen allele CA341338755.